The following is an entry in ClinVar:

ClinVar aggregate classification (germline): Likely benign (1 of 4 stars; one submission).

Submission:

GeneDx
Classification: Likely benign. Last evaluated: 2022-10-20. Review status: criteria provided, single submitter. Criteria: GeneDx Variant Classification Process June 2021. Collection method: clinical testing. Allele origin: germline. Affected: yes.
Comment: See Variant Classification Assertion Criteria.

NM_001170629.2(CHD8):c.5150A>G (p.Asp1717Gly)

Gene: CHD8 (chromodomain helicase DNA binding protein 8; minus strand). Cytogenetic location: 14q11.2.
Variant type: single nucleotide variant.
Coding change: c.5150A>G on transcript NM_001170629.2 (MANE Select); coding-DNA position 5150, A replaced by G.
Protein change: p.Asp1717Gly; replaces aspartic acid 1717 with glycine.
Molecular consequence: missense variant.
Genome position (GRCh38, 1-based): chr14:21,395,330, T>C on the plus strand (A>G on the coding strand, the complement: CHD8 is on the minus strand). VCF-style: chr14-21395330-T-C. GRCh37 (hg19) VCF-style: chr14-21863489-T-C.
Other names: c.4313A>G, p.Asp1438Gly (NM_020920.4); short protein forms D1438G, D1717G.
Identifiers: ClinVar variation 1695526 (VCV001695526.3), dbSNP rs2139450989, ClinGen allele CA388884519.